The following is an entry in ClinVar:

ClinVar aggregate classification (germline): Uncertain significance. Review status: criteria provided, multiple submitters, no conflicts (2 of 4 stars). 4 submissions from 4 submitters: Uncertain significance (4). Last evaluated 2025-12-22.

Conditions:
Rhabdoid tumor predisposition syndrome 2 (RTPS2). Identifiers: Orphanet 231108, Orphanet 69077, MedGen C2750074, MONDO:0013224, OMIM 613325.
Hereditary cancer-predisposing syndrome. Also called: Tumor predisposition; Hereditary Cancer Syndrome; Neoplastic Syndromes, Hereditary; Hereditary neoplastic syndrome. Identifiers: Orphanet 140162, MedGen C0027672, MeSH D009386, MONDO:0015356.

gnomAD v4.1: 2 of 1,589,528 alleles (0.00013%); highest among the groups gnomAD compares: Admixed American, 0.0018%; no homozygotes.

Submissions (4):

Labcorp Genetics (formerly Invitae), Labcorp
Classification: Uncertain significance for Rhabdoid tumor predisposition syndrome 2. Last evaluated: 2025-12-22. Review status: criteria provided, single submitter. Criteria: Invitae Variant Classification Sherloc (09022015). Collection method: clinical testing. Allele origin: germline.
Comment: This sequence change replaces histidine, which is basic and polar, with aspartic acid, which is acidic and polar, at codon 70 of the SMARCA4 protein (p.His70Asp). This variant is not present in population databases (gnomAD no frequency). This variant has not been reported in the literature in individuals affected with SMARCA4-related conditions. ClinVar contains an entry for this variant (Variation ID: 484905). Invitae Evidence Modeling of protein sequence and biophysical properties (such as structural, functional, and spatial information, amino acid conservation, physicochemical variation, residue mobility, and thermodynamic stability) indicates that this missense variant is not expected to disrupt SMARCA4 protein function with a negative predictive value of 95%. In summary, the available evidence is currently insufficient to determine the role of this variant in disease. Therefore, it has been classified as a Variant of Uncertain Significance.

Ambry Genetics
Classification: Uncertain significance for Hereditary cancer-predisposing syndrome. Last evaluated: 2024-06-04. Review status: criteria provided, single submitter. Criteria: Ambry Variant Classification Scheme 2023. Collection method: clinical testing. Allele origin: germline.
Comment: The p.H70D variant (also known as c.208C>G), located in coding exon 1 of the SMARCA4 gene, results from a C to G substitution at nucleotide position 208. The histidine at codon 70 is replaced by aspartic acid, an amino acid with similar properties. This amino acid position is well conserved in available vertebrate species. In addition, the in silico prediction for this alteration is inconclusive. Based on the available evidence, the clinical significance of this variant remains unclear.

Baylor Genetics
Classification: Uncertain significance for Rhabdoid tumor predisposition syndrome 2. Last evaluated: 2024-01-04. Review status: criteria provided, single submitter. Criteria: ACMG Guidelines, 2015. Collection method: clinical testing. Allele origin: unknown.

Blueprint Genetics
Classification: Uncertain significance. Last evaluated: 2023-11-28. Review status: criteria provided, single submitter. Criteria: ACMG Guidelines, 2015. Collection method: clinical testing. Allele origin: germline.

NM_003072.5(SMARCA4):c.208C>G (p.His70Asp)

Gene: SMARCA4 (SWI/SNF related BAF chromatin remodeling complex subunit ATPase 4; plus strand). Cytogenetic location: 19p13.2.
Variant type: single nucleotide variant.
Coding change: c.208C>G on transcript NM_003072.5 (MANE Select); coding-DNA position 208, C replaced by G.
Protein change: p.His70Asp; replaces histidine 70 with aspartic acid.
Molecular consequence: missense variant. On other transcripts: non-coding transcript variant (1).
Genome position (GRCh38, 1-based): chr19:10,984,359, C>G. VCF-style: chr19-10984359-C-G. GRCh37 (hg19) VCF-style: chr19-11095035-C-G.
Other names: c.208C>G, p.His70Asp (NM_001128844.3, NM_001128845.2, NM_001128846.2 and 5 more transcripts); short protein forms H70D.
Identifiers: ClinVar variation 484905 (VCV000484905.11), dbSNP rs1266506498, ClinGen allele CA404054676.